The following is an entry in ClinVar:

NM_052859.4(RFT1):c.34C>T (p.Arg12Trp)

Genes: RFT1 (RFT1 glycolipid translocator homolog; minus strand), LOC129936883 (ATAC-STARR-seq lymphoblastoid active region 19954; plus strand). Cytogenetic location: 3p21.1.
Variant type: single nucleotide variant.
Coding change: c.34C>T on transcript NM_052859.4 (MANE Select); coding-DNA position 34, C replaced by T.
Protein change: p.Arg12Trp; replaces arginine 12 with tryptophan.
Molecular consequence: missense variant.
Genome position (GRCh38, 1-based): chr3:53,130,367, G>A on the plus strand (C>T on the coding strand, the complement: RFT1 is on the minus strand). VCF-style: chr3-53130367-G-A. GRCh37 (hg19) VCF-style: chr3-53164383-G-A.
Other names: short protein forms R12W.
Identifiers: ClinVar variation 1965833 (VCV001965833.4), dbSNP rs748244290, ClinGen allele CA2451582.

ClinVar aggregate classification (germline): Uncertain significance (1 of 4 stars; one submission).

Conditions:
RFT1-congenital disorder of glycosylation (CDG1N). Also called: CDG In; RFT1-CDG; Congenital disorder of glycosylation type In. Identifiers: Orphanet 244310, MedGen C2677590, MONDO:0012783, OMIM 612015.

Allele frequency attached by ClinVar (database versions not stated): ExAC 0.00005.
gnomAD v4.1: 9 of 1,565,972 alleles (0.00057%); highest among the groups gnomAD compares: Non-Finnish European, 0.00069%; no homozygotes.

Submission:

Labcorp Genetics (formerly Invitae), Labcorp
Classification: Uncertain significance for RFT1-congenital disorder of glycosylation. Last evaluated: 2022-04-14. Review status: criteria provided, single submitter. Criteria: Invitae Variant Classification Sherloc (09022015). Collection method: clinical testing. Allele origin: germline.
Comment: In summary, the available evidence is currently insufficient to determine the role of this variant in disease. Therefore, it has been classified as a Variant of Uncertain Significance. Algorithms developed to predict the effect of missense changes on protein structure and function are either unavailable or do not agree on the potential impact of this missense change (SIFT: "Deleterious"; PolyPhen-2: "Probably Damaging"; Align-GVGD: "Class C0"). This variant has not been reported in the literature in individuals affected with RFT1-related conditions. The frequency data for this variant in the population databases is considered unreliable, as metrics indicate poor data quality at this position in the gnomAD database. This sequence change replaces arginine, which is basic and polar, with tryptophan, which is neutral and slightly polar, at codon 12 of the RFT1 protein (p.Arg12Trp).